The following is an entry in ClinVar:

ClinVar aggregate classification (germline): Likely pathogenic (1 of 4 stars; one submission).

Conditions:
Glycogen storage disease IXb (GSD9B). Also called: GLYCOGENOSIS OF LIVER AND MUSCLE, AUTOSOMAL RECESSIVE; GSD IXb; PHOSPHORYLASE KINASE DEFICIENCY OF LIVER AND MUSCLE, AUTOSOMAL RECESSIVE. Identifiers: Orphanet 79240, MedGen C0543514, MONDO:0009868, OMIM 261750.

Submission:

Laboratorio de Biologia Molecular - Genetica, Hospital de Pediatria Garrahan
Classification: Likely pathogenic for Glycogen storage disease IXb. Last evaluated: 2026-05-20. Review status: criteria provided, single submitter. Criteria: ACMG Guidelines, 2015. Collection method: clinical testing. Allele origin: germline. Affected: yes. Observed: 1 variant allele.
Comment: This sequence change creates a premature translational stop signal (p.Ile557Leufs*13) in the PHKB gene. It is expected to result in an absent or disrupted protein product. Loss-of-function variants in PHKB are known to be pathogenic (PVS1). This variant is present in population databases with an extremely low frequency (gnomAD <0.001%) (PM2). For these reasons, this variant has been classified as Pathogenic.

NM_000293.3(PHKB):c.1668del (p.Ile557fs)

Gene: PHKB (phosphorylase kinase regulatory subunit beta; plus strand). Cytogenetic location: 16q12.1.
Variant type: Deletion.
Coding change: c.1668del on transcript NM_000293.3 (MANE Select); coding-DNA position 1668, one base deleted (C; older notation c.1668delC).
Protein change: p.Ile557fs; shifts the reading frame from isoleucine 557.
Molecular consequence: frameshift variant.
Genome position (GRCh38, 1-based): chr16:47,648,592, C deleted; the last of 3 consecutive C bases (chr16:47,648,590-47,648,592); deleting any one gives the same sequence. VCF-style (leftmost placement, unchanged base first): chr16-47648589-GC-G. GRCh37 (hg19) VCF-style: chr16-47682500-GC-G.
Other names: c.1647del, p.Ile550fs (NM_001031835.3); c.1668del, p.Ile557fs (NM_001363837.1); short protein forms I550fs, I557fs.
Identifiers: ClinVar variation 4871740 (VCV004871740.1).